The following is an entry in ClinVar:

NM_001083116.3(PRF1):c.550G>A (p.Val184Ile)

Gene: PRF1 (perforin 1; minus strand). Cytogenetic location: 10q22.1.
Variant type: single nucleotide variant.
Coding change: c.550G>A on transcript NM_001083116.3 (MANE Select); coding-DNA position 550, G replaced by A.
Protein change: p.Val184Ile; replaces valine 184 with isoleucine.
Molecular consequence: missense variant.
Genome position (GRCh38, 1-based): chr10:70,599,171, C>T on the plus strand (G>A on the coding strand, the complement: PRF1 is on the minus strand). VCF-style: chr10-70599171-C-T. GRCh37 (hg19) VCF-style: chr10-72358927-C-T.
Other names: c.550G>A, p.Val184Ile (NM_005041.6); short protein forms V184I.
Identifiers: ClinVar variation 468306 (VCV000468306.6), dbSNP rs1554868125, ClinGen allele CA376959165.

ClinVar aggregate classification (germline): Uncertain significance (1 of 4 stars; one submission).

Conditions:
Familial hemophagocytic lymphohistiocytosis 2 (FHL2). Also called: PRF1-Related Familial Hemophagocytic Lymphohistiocytosis (PRF1-fHLH). Identifiers: Orphanet 540, MedGen C1863727, MONDO:0011337, OMIM 603553.

Submission:

Labcorp Genetics (formerly Invitae), Labcorp
Classification: Uncertain significance for Familial hemophagocytic lymphohistiocytosis 2. Last evaluated: 2024-10-29. Review status: criteria provided, single submitter. Criteria: Invitae Variant Classification Sherloc (09022015). Collection method: clinical testing. Allele origin: germline.
Comment: This sequence change replaces valine, which is neutral and non-polar, with isoleucine, which is neutral and non-polar, at codon 184 of the PRF1 protein (p.Val184Ile). This variant is not present in population databases (gnomAD no frequency). This variant has not been reported in the literature in individuals affected with PRF1-related conditions. ClinVar contains an entry for this variant (Variation ID: 468306). Invitae Evidence Modeling of protein sequence and biophysical properties (such as structural, functional, and spatial information, amino acid conservation, physicochemical variation, residue mobility, and thermodynamic stability) has been performed for this missense variant. However, the output from this modeling did not meet the statistical confidence thresholds required to predict the impact of this variant on PRF1 protein function. In summary, the available evidence is currently insufficient to determine the role of this variant in disease. Therefore, it has been classified as a Variant of Uncertain Significance.